The following is an entry in ClinVar:

ClinVar aggregate classification (germline): Uncertain significance (1 of 4 stars; one submission).

Allele frequency attached by ClinVar (database versions not stated): gnomAD exomes below 0.00001; gnomAD 0.00003; TOPMed 0.00003.
gnomAD v4.1: 8 of 1,613,938 alleles (0.0005%); highest among the groups gnomAD compares: African/African-American, 0.011%; no homozygotes.

Submission:

Labcorp Genetics (formerly Invitae), Labcorp
Classification: Uncertain significance. Last evaluated: 2025-12-22. Review status: criteria provided, single submitter. Criteria: Invitae Variant Classification Sherloc (09022015). Collection method: clinical testing. Allele origin: germline.
Comment: This sequence change replaces phenylalanine, which is neutral and non-polar, with leucine, which is neutral and non-polar, at codon 338 of the ARCN1 protein (p.Phe338Leu). This variant is present in population databases (no rsID available, gnomAD 0.01%). This variant has not been reported in the literature in individuals affected with ARCN1-related conditions. ClinVar contains an entry for this variant (Variation ID: 2712431). An algorithm developed to predict the effect of missense changes on protein structure and function (PolyPhen-2) suggests that this variant is likely to be disruptive. In summary, the available evidence is currently insufficient to determine the role of this variant in disease. Therefore, it has been classified as a Variant of Uncertain Significance.

NM_001655.5(ARCN1):c.1012T>C (p.Phe338Leu)

Gene: ARCN1 (archain 1 coat protein complex I subunit delta; plus strand). Cytogenetic location: 11q23.3.
Variant type: single nucleotide variant.
Coding change: c.1012T>C on transcript NM_001655.5 (MANE Select); coding-DNA position 1012, T replaced by C.
Protein change: p.Phe338Leu; replaces phenylalanine 338 with leucine.
Molecular consequence: missense variant.
Genome position (GRCh38, 1-based): chr11:118,592,736, T>C. VCF-style: chr11-118592736-T-C. GRCh37 (hg19) VCF-style: chr11-118463451-T-C.
Other names: c.748T>C, p.Phe250Leu (NM_001142281.2, NM_001425081.1); c.1012T>C, p.Phe338Leu (NM_001425073.1, NM_001425078.1); c.1009T>C, p.Phe337Leu (NM_001425074.1, NM_001425079.1); c.955T>C, p.Phe319Leu (NM_001425075.1); c.943T>C, p.Phe315Leu (NM_001425076.1); c.847T>C, p.Phe283Leu (NM_001425077.1); c.568T>C, p.Phe190Leu (NM_001425080.1); short protein forms F250L, F190L, F315L, F337L, F283L, F319L, F338L.
Identifiers: ClinVar variation 2712431 (VCV002712431.3), dbSNP rs1285420114, ClinGen allele CA382812364.